The following is an entry in ClinVar:

NM_000701.8(ATP1A1):c.3034C>T (p.Arg1012Cys)

Genes: ATP1A1 (ATPase Na+/K+ transporting subunit alpha 1; plus strand), ATP1A1-AS1 (ATP1A1 antisense RNA 1; minus strand). Cytogenetic location: 1p13.1.
Variant type: single nucleotide variant.
Coding change: c.3034C>T on transcript NM_000701.8 (MANE Select); coding-DNA position 3034, C replaced by T.
Protein change: p.Arg1012Cys; replaces arginine 1012 with cysteine.
Molecular consequence: missense variant.
Genome position (GRCh38, 1-based): chr1:116,403,966, C>T. VCF-style: chr1-116403966-C-T. GRCh37 (hg19) VCF-style: chr1-116946588-C-T.
Other names: c.3034C>T, p.Arg1012Cys (NM_001160233.2); c.2941C>T, p.Arg981Cys (NM_001160234.2); short protein forms R1012C, R981C.
Identifiers: ClinVar variation 3604821 (VCV003604821.2).

ClinVar aggregate classification (germline): Uncertain significance (1 of 4 stars; one submission).

gnomAD v4.1: 36 of 1,613,874 alleles (0.0022%); highest among the groups gnomAD compares: East Asian, 0.0045%; no homozygotes.

Submission:

Labcorp Genetics (formerly Invitae), Labcorp
Classification: Uncertain significance. Last evaluated: 2024-03-28. Review status: criteria provided, single submitter. Criteria: Invitae Variant Classification Sherloc (09022015). Collection method: clinical testing. Allele origin: germline.
Comment: This sequence change replaces arginine, which is basic and polar, with cysteine, which is neutral and slightly polar, at codon 1012 of the ATP1A1 protein (p.Arg1012Cys). This variant is present in population databases (rs777250534, gnomAD 0.01%). This variant has not been reported in the literature in individuals affected with ATP1A1-related conditions. Advanced modeling of protein sequence and biophysical properties (such as structural, functional, and spatial information, amino acid conservation, physicochemical variation, residue mobility, and thermodynamic stability) performed at Invitae indicates that this missense variant is not expected to disrupt ATP1A1 protein function with a negative predictive value of 95%. In summary, the available evidence is currently insufficient to determine the role of this variant in disease. Therefore, it has been classified as a Variant of Uncertain Significance.